The following is an entry in ClinVar:

ClinVar aggregate classification (germline): Uncertain significance (1 of 4 stars; one submission).

Conditions:
Schimke immuno-osseous dysplasia (SIOD). Also called: Schimke Immunoosseous Dysplasia. Identifiers: Orphanet 1830, MedGen C0877024, MONDO:0009458, OMIM 242900.

Submission:

Labcorp Genetics (formerly Invitae), Labcorp
Classification: Uncertain significance for Schimke immuno-osseous dysplasia. Last evaluated: 2021-11-14. Review status: criteria provided, single submitter. Criteria: Invitae Variant Classification Sherloc (09022015). Collection method: clinical testing. Allele origin: germline.
Comment: This sequence change replaces proline, which is neutral and non-polar, with serine, which is neutral and polar, at codon 619 of the SMARCAL1 protein (p.Pro619Ser). This variant is not present in population databases (gnomAD no frequency). This variant has not been reported in the literature in individuals affected with SMARCAL1-related conditions. Algorithms developed to predict the effect of missense changes on protein structure and function output the following: SIFT: "Tolerated"; PolyPhen-2: "Benign"; Align-GVGD: "Class C0". The serine amino acid residue is found in multiple mammalian species, which suggests that this missense change does not adversely affect protein function. In summary, the available evidence is currently insufficient to determine the role of this variant in disease. Therefore, it has been classified as a Variant of Uncertain Significance.

NM_014140.4(SMARCAL1):c.1855C>T (p.Pro619Ser)

Gene: SMARCAL1 (SNF2 related chromatin remodeling annealing helicase 1; plus strand). Cytogenetic location: 2q35.
Variant type: single nucleotide variant.
Coding change: c.1855C>T on transcript NM_014140.4 (MANE Select); coding-DNA position 1855, C replaced by T.
Protein change: p.Pro619Ser; replaces proline 619 with serine.
Molecular consequence: missense variant.
Genome position (GRCh38, 1-based): chr2:216,450,849, C>T. VCF-style: chr2-216450849-C-T. GRCh37 (hg19) VCF-style: chr2-217315572-C-T.
Other names: c.1855C>T, p.Pro619Ser (NM_001127207.2); short protein forms P619S.
Identifiers: ClinVar variation 1437780 (VCV001437780.3), dbSNP rs778421852, ClinGen allele CA350501903.